The following is an entry in ClinVar:

NM_020340.5(ARFGEF3):c.2785+5C>A

Gene: ARFGEF3 (ARFGEF family member 3; plus strand). Cytogenetic location: 6q23.3.
Variant type: single nucleotide variant.
Coding change: c.2785+5C>A on transcript NM_020340.5 (MANE Select); 5 bases into the intron after coding-DNA position 2785, C replaced by A.
Molecular consequence: intron variant.
Genome position (GRCh38, 1-based): chr6:138,286,921, C>A. VCF-style: chr6-138286921-C-A. GRCh37 (hg19) VCF-style: chr6-138608058-C-A.
Identifiers: ClinVar variation 3049593 (VCV003049593.2), dbSNP rs367548672, ClinGen allele CA4020927.

ClinVar aggregate classification (germline): Likely benign (0 of 4 stars; one submission).

Conditions:
ARFGEF3-related disorder. Also called: ARFGEF3-related condition.

Allele frequency attached by ClinVar (database versions not stated): gnomAD exomes 0.00001; TOPMed 0.00002; gnomAD 0.00003; ExAC 0.00007; 1000 Genomes Project 30x 0.00016; 1000 Genomes Project 0.00020.

Submission:

PreventionGenetics, part of Exact Sciences
Classification: Likely benign for ARFGEF3-related condition. Last evaluated: 2019-07-12. Review status: no assertion criteria provided. Collection method: clinical testing. Allele origin: germline.
Comment: This variant is classified as likely benign based on ACMG/AMP sequence variant interpretation guidelines (Richards et al. 2015 PMID: 25741868, with internal and published modifications).